The following is an entry in ClinVar:

ClinVar aggregate classification (germline): Likely benign (1 of 4 stars; one submission).

Submission:

CeGaT Center for Human Genetics Tuebingen
Classification: Likely benign. Last evaluated: 2026-01-01. Review status: criteria provided, single submitter. Criteria: CeGaT Center For Human Genetics Tuebingen Variant Classification Criteria Version 2. Collection method: clinical testing. Allele origin: germline. Affected: yes. Observed: 1 variant allele.
Comment: SSU72L4: PM2:Supporting, BP4, BP7

NM_001414001.1(SSU72L4):c.477C>T (p.Cys159=)

Gene: SSU72L4 (SSU72 like 4; minus strand). Cytogenetic location: 11p15.4.
Variant type: single nucleotide variant.
Coding change: c.477C>T on transcript NM_001414001.1 (MANE Select); coding-DNA position 477, C replaced by T.
Protein change: p.Cys159=; no amino-acid change (cysteine 159 retained).
Molecular consequence: synonymous variant.
Genome position (GRCh38, 1-based): chr11:4,287,607, G>A on the plus strand (C>T on the coding strand, the complement: SSU72L4 is on the minus strand). VCF-style: chr11-4287607-G-A. GRCh37 (hg19) VCF-style: chr11-4308837-G-A.
Identifiers: ClinVar variation 4823141 (VCV004823141.4).